The following is an entry in ClinVar:

NM_182916.3(TRNT1):c.342+11A>G

Gene: TRNT1 (tRNA nucleotidyl transferase 1; plus strand). Cytogenetic location: 3p26.2.
Variant type: single nucleotide variant.
Coding change: c.342+11A>G on transcript NM_182916.3 (MANE Select); 11 bases into the intron after coding-DNA position 342, A replaced by G.
Molecular consequence: intron variant.
Genome position (GRCh38, 1-based): chr3:3,137,464, A>G. VCF-style: chr3-3137464-A-G. GRCh37 (hg19) VCF-style: chr3-3179148-A-G.
Other names: c.342+11A>G (LRG_1314t1, NM_001367321.1, NM_001367323.1 and 2 more transcripts).
Identifiers: ClinVar variation 511284 (VCV000511284.8), dbSNP rs779037398, ClinGen allele CA2228610.

ClinVar aggregate classification (germline): Likely benign. Review status: criteria provided, multiple submitters, no conflicts (2 of 4 stars). 2 submissions from 2 submitters: Likely benign (2). Last evaluated 2024-02-24.

Conditions:
Congenital sideroblastic anemia-B-cell immunodeficiency-periodic fever-developmental delay syndrome. Also called: Sideroblastic anemia with B-cell immunodeficiency, periodic fevers, and developmental delay. Identifiers: Orphanet 369861, MedGen C4015172, MONDO:0014487, OMIM 616084.

Allele frequency attached by ClinVar (database versions not stated): gnomAD 0.00001; gnomAD exomes 0.00001 and 0.00008; TOPMed 0.00002; ExAC 0.00009.
gnomAD v4.1: 20 of 1,588,676 alleles (0.0013%); highest among the groups gnomAD compares: East Asian, 0.043%; no homozygotes.

Submissions (2):

Labcorp Genetics (formerly Invitae), Labcorp
Classification: Likely benign for Congenital sideroblastic anemia-B-cell immunodeficiency-periodic fever-developmental delay syndrome. Last evaluated: 2024-02-24. Review status: criteria provided, single submitter. Criteria: Invitae Variant Classification Sherloc (09022015). Collection method: clinical testing. Allele origin: germline.

GeneDx
Classification: Likely benign. Last evaluated: 2017-08-18. Review status: criteria provided, single submitter. Criteria: GeneDx Variant Classification (06012015). Collection method: clinical testing. Allele origin: germline. Affected: yes.
Comment: This variant is considered likely benign or benign based on one or more of the following criteria: it is a conservative change, it occurs at a poorly conserved position in the protein, it is predicted to be benign by multiple in silico algorithms, and/or has population frequency not consistent with disease.